The following is an entry in ClinVar:

NM_005529.7(HSPG2):c.11568C>T (p.Gly3856=)

Gene: HSPG2 (heparan sulfate proteoglycan 2; minus strand). Cytogenetic location: 1p36.12.
Variant type: single nucleotide variant.
Coding change: c.11568C>T on transcript NM_005529.7 (MANE Select); coding-DNA position 11568, C replaced by T.
Protein change: p.Gly3856=; no amino-acid change (glycine 3856 retained).
Molecular consequence: synonymous variant.
Genome position (GRCh38, 1-based): chr1:21,831,085, G>A on the plus strand (C>T on the coding strand, the complement: HSPG2 is on the minus strand). VCF-style: chr1-21831085-G-A. GRCh37 (hg19) VCF-style: chr1-22157578-G-A.
Other names: c.11571C>T, p.Gly3857= (NM_001291860.2).
Identifiers: ClinVar variation 295717 (VCV000295717.41), dbSNP rs200221194, ClinGen allele CA669716.

ClinVar aggregate classification (germline): Conflicting classifications of pathogenicity. Review status: criteria provided, conflicting classifications (1 of 4 stars). 8 submissions from 7 submitters: Uncertain significance (2); Likely benign (5). 1 of the submissions does not count toward it. Last evaluated 2026-06-01.

Conditions:
HSPG2-related disorder. Also called: HSPG2-related condition; HSPG2-related disorders.
Inborn genetic diseases. Identifiers: MedGen C0950123, MeSH D030342.
Schwartz-Jampel syndrome. Also called: Myotonic myopathy dwarfism chondrodystrophy and ocular and facial abnormalities. Identifiers: Orphanet 800, MedGen C0036391, MONDO:0009717.
Lethal Kniest-like syndrome (DDSH). Also called: Dyssegmental Dysplasia. Identifiers: Orphanet 1865, MedGen C1857100, MONDO:0009140, OMIM 224410.

Allele frequency attached by ClinVar (database versions not stated): ESP Exome Variant Server 0.00015; TOPMed 0.00015; gnomAD 0.00017; gnomAD exomes 0.00019 and 0.00025; ExAC 0.00038.
gnomAD v4.1: 378 of 1,603,210 alleles (0.024%); highest among the groups gnomAD compares: Non-Finnish European, 0.03%; no homozygotes.

Submissions (8):

CeGaT Center for Human Genetics Tuebingen
Classification: Likely benign. Last evaluated: 2026-06-01. Review status: criteria provided, single submitter. Criteria: CeGaT Center For Human Genetics Tuebingen Variant Classification Criteria Version 2. Collection method: clinical testing. Allele origin: germline. Affected: yes. Observed: 2 variant alleles.
Comment: HSPG2: BP4, BP7

Labcorp Genetics (formerly Invitae), Labcorp
Classification: Likely benign. Last evaluated: 2025-12-08. Review status: criteria provided, single submitter. Criteria: Invitae Variant Classification Sherloc (09022015). Collection method: clinical testing. Allele origin: germline.

Ambry Genetics
Classification: Likely benign for Inborn genetic diseases. Last evaluated: 2025-01-09. Review status: criteria provided, single submitter. Criteria: Ambry Variant Classification Scheme 2023. Collection method: clinical testing. Allele origin: germline.

Blueprint Genetics
Classification: Likely benign. Last evaluated: 2024-08-27. Review status: criteria provided, single submitter. Criteria: ACMG Guidelines, 2015. Collection method: clinical testing. Allele origin: germline.

ARUP Laboratories, Molecular Genetics and Genomics, ARUP Laboratories
Classification: Likely benign. Last evaluated: 2020-04-13. Review status: criteria provided, single submitter. Criteria: ARUP Molecular Germline Variant Investigation Process. Collection method: clinical testing. Allele origin: germline.

Illumina Laboratory Services, Illumina
Classification: Uncertain significance for Schwartz-Jampel syndrome type 1. Last evaluated: 2018-01-13. Review status: criteria provided, single submitter. Criteria: ICSL Variant Classification Criteria 13 December 2019. Collection method: clinical testing. Allele origin: germline.

Illumina Laboratory Services, Illumina
Classification: Uncertain significance for Lethal Kniest-like syndrome. Last evaluated: 2018-01-13. Review status: criteria provided, single submitter. Criteria: ICSL Variant Classification Criteria 13 December 2019. Collection method: clinical testing. Allele origin: germline.

PreventionGenetics, part of Exact Sciences
Classification: Likely benign for HSPG2-related condition. Last evaluated: 2019-07-15. Review status: no assertion criteria provided. Collection method: clinical testing. Allele origin: germline. Not counted in ClinVar's aggregate classification.
Comment: This variant is classified as likely benign based on ACMG/AMP sequence variant interpretation guidelines (Richards et al. 2015 PMID: 25741868, with internal and published modifications).